The following is an entry in ClinVar:

NM_000038.6(APC):c.505A>T (p.Ile169Leu)

Gene: APC (APC regulator of WNT signaling pathway; plus strand). Cytogenetic location: 5q22.2.
Variant type: single nucleotide variant.
Coding change: c.505A>T on transcript NM_000038.6 (MANE Select); coding-DNA position 505, A replaced by T.
Protein change: p.Ile169Leu; replaces isoleucine 169 with leucine.
Molecular consequence: missense variant. On other transcripts: 5 prime UTR variant (4), non-coding transcript variant (2).
Genome position (GRCh38, 1-based): chr5:112,775,711, A>T. VCF-style: chr5-112775711-A-T. GRCh37 (hg19) VCF-style: chr5-112111408-A-T.
Other names: c.505A>T, p.Ile169Leu (NM_001127510.3, NM_001354895.2, NM_001354896.2 and 16 more transcripts); c.535A>T, p.Ile179Leu (NM_001127511.3, NM_001354897.2, NM_001354902.2 and 1 more transcripts); c.430A>T, p.Ile144Leu (NM_001354898.2, NM_001354904.2, NM_001407451.1); c.328A>T, p.Ile110Leu (NM_001354900.2, NM_001354901.2, NM_001354905.2 and 1 more transcripts); c.-531A>T (NM_001354906.2, NM_001407470.1, NM_001407471.1 and 1 more transcripts); short protein forms I110L, I144L, I169L, I179L.
Identifiers: ClinVar variation 2662241 (VCV002662241.1), dbSNP rs878853455, ClinGen allele CA16022429.

ClinVar aggregate classification (germline): Uncertain significance (1 of 4 stars; one submission).

Submission:

GeneDx
Classification: Uncertain significance. Last evaluated: 2023-05-09. Review status: criteria provided, single submitter. Criteria: GeneDx Variant Classification Process June 2021. Collection method: clinical testing. Allele origin: germline. Affected: yes.
Comment: Not observed at significant frequency in large population cohorts (gnomAD); In silico analysis supports that this missense variant does not alter protein structure/function; Has not been previously published as pathogenic or benign to our knowledge